The following is an entry in ClinVar:

ClinVar aggregate classification (germline): Likely benign (1 of 4 stars; one submission).

Allele frequency attached by ClinVar (database versions not stated): ESP Exome Variant Server 0.00008; ExAC 0.00009; 1000 Genomes Project 30x 0.00016; 1000 Genomes Project 0.00020.
gnomAD v4.1: 217 of 1,613,342 alleles (0.013%); highest among the groups gnomAD compares: Middle Eastern, 0.033%; no homozygotes.

Submission:

CeGaT Center for Human Genetics Tuebingen
Classification: Likely benign. Last evaluated: 2025-02-01. Review status: criteria provided, single submitter. Criteria: CeGaT Center For Human Genetics Tuebingen Variant Classification Criteria Version 2. Collection method: clinical testing. Allele origin: germline. Affected: yes. Observed: 3 variant alleles.
Comment: TNRC6B: BS2

NM_001162501.2(TNRC6B):c.2351G>T (p.Gly784Val)

Gene: TNRC6B (trinucleotide repeat containing adaptor 6B; plus strand). Cytogenetic location: 22q13.1.
Variant type: single nucleotide variant.
Coding change: c.2351G>T on transcript NM_001162501.2 (MANE Select); coding-DNA position 2351, G replaced by T.
Protein change: p.Gly784Val; replaces glycine 784 with valine.
Molecular consequence: missense variant. On other transcripts: intron variant (1).
Genome position (GRCh38, 1-based): chr22:40,266,581, G>T. VCF-style: chr22-40266581-G-T. GRCh37 (hg19) VCF-style: chr22-40662585-G-T.
Other names: c.2351G>T, p.Gly784Val (NM_015088.3); c.566-3541G>T (NM_001024843.2); short protein forms G784V.
Identifiers: ClinVar variation 2653177 (VCV002653177.24), dbSNP rs188361271, ClinGen allele CA10246822.
Genomic context (GRCh38, chr22:40,266,581, plus strand): 5'-CTGCAAGTAAACCTGTGTCTGGGTGGGGTGAAGGAGGGCAGAATGAAATCGGGACTTGGG[G>T]TAATGGTGGCAATGCAAGCCTAGCTTCAAAAGGTGGGTGGGAGGATTGCAAAAGATCCCC-3'
Protein context (NP_001155973.1, residues 774-794): EGGQNEIGTW[Gly784Val]NGGNASLASK